The following is an entry in ClinVar:

ClinVar aggregate classification (germline): Uncertain significance. Review status: criteria provided, multiple submitters, no conflicts (2 of 4 stars). 2 submissions from 2 submitters: Uncertain significance (2). Last evaluated 2025-04-23.

Conditions:
Fanconi anemia complementation group E (FANCE). Also called: FANCE-Related Fanconi Anemia. Identifiers: Orphanet 84, MedGen C3160739, MONDO:0010953, OMIM 600901.

gnomAD v4.1: 5 of 1,334,930 alleles (0.00037%); highest among the groups gnomAD compares: Non-Finnish European, 0.00048%; no homozygotes.

Submissions (2):

Labcorp Genetics (formerly Invitae), Labcorp
Classification: Uncertain significance for Fanconi anemia complementation group E. Last evaluated: 2025-04-23. Review status: criteria provided, single submitter. Criteria: Invitae Variant Classification Sherloc (09022015). Collection method: clinical testing. Allele origin: germline.
Comment: This sequence change replaces proline, which is neutral and non-polar, with threonine, which is neutral and polar, at codon 9 of the FANCE protein (p.Pro9Thr). This variant is not present in population databases (gnomAD no frequency). This variant has not been reported in the literature in individuals affected with FANCE-related conditions. ClinVar contains an entry for this variant (Variation ID: 1477550). An algorithm developed to predict the effect of missense changes on protein structure and function outputs the following: PolyPhen-2: "Benign". The threonine amino acid residue is found in multiple mammalian species, which suggests that this missense change does not adversely affect protein function. In summary, the available evidence is currently insufficient to determine the role of this variant in disease. Therefore, it has been classified as a Variant of Uncertain Significance.

Fulgent Genetics
Classification: Uncertain significance for Fanconi anemia complementation group E. Last evaluated: 2021-10-04. Review status: criteria provided, single submitter. Criteria: ACMG Guidelines, 2015. Collection method: clinical testing. Allele origin: unknown.

NM_021922.3(FANCE):c.25C>A (p.Pro9Thr)

Genes: FANCE (FA complementation group E; plus strand), LOC129996245 (ATAC-STARR-seq lymphoblastoid silent region 17092; plus strand). Cytogenetic location: 6p21.31.
Variant type: single nucleotide variant.
Coding change: c.25C>A on transcript NM_021922.3 (MANE Select); coding-DNA position 25, C replaced by A.
Protein change: p.Pro9Thr; replaces proline 9 with threonine.
Molecular consequence: missense variant.
Genome position (GRCh38, 1-based): chr6:35,452,570, C>A. VCF-style: chr6-35452570-C-A. GRCh37 (hg19) VCF-style: chr6-35420347-C-A.
Other names: short protein forms P9T.
Identifiers: ClinVar variation 1477550 (VCV001477550.8), dbSNP rs956659254, ClinGen allele CA363769733.